The following is an entry in ClinVar:

NM_000719.7(CACNA1C):c.5784+4G>T

Genes: CACNA1C (calcium voltage-gated channel subunit alpha1 C; plus strand), CACNA1C-AS1 (CACNA1C antisense RNA 1; minus strand). Cytogenetic location: 12p13.33.
Variant type: single nucleotide variant.
Coding change: c.5784+4G>T on transcript NM_000719.7 (MANE Select); 4 bases into the intron after coding-DNA position 5784, G replaced by T.
Molecular consequence: intron variant.
Genome position (GRCh38, 1-based): chr12:2,686,273, G>T. VCF-style: chr12-2686273-G-T. GRCh37 (hg19) VCF-style: chr12-2795439-G-T.
Other names: c.5889+4G>T (NM_001167624.3, NM_001129830.3); c.5784+4G>T (NM_001167623.2, NM_001129840.2, NM_001129842.2 and 2 more transcripts); c.5964+4G>T (NM_001167625.2); c.6033+4G>T (NM_199460.4); c.5928+4G>T (NM_001129827.2); c.5844+4G>T (NM_001129832.2); c.5868+4G>T (NM_001129831.2); c.5841+4G>T (NM_001129833.2, NM_001129834.2, NM_001129835.2); and 6 more.
Identifiers: ClinVar variation 843126 (VCV000843126.10), dbSNP rs2097478141, ClinGen allele CA916081661.

ClinVar aggregate classification (germline): Uncertain significance. Review status: criteria provided, multiple submitters, no conflicts (2 of 4 stars). 2 submissions from 2 submitters: Uncertain significance (2). Last evaluated 2022-03-15.

Conditions:
Long QT syndrome (LQTS). Identifiers: MedGen C0023976, MeSH D008133, MONDO:0002442. Disease mechanism: loss of function. Inheritance: Various modes of inheritance.
Brugada syndrome 3 (BRGDA3). Identifiers: Orphanet 130, MedGen C2678478, MONDO:0012742, OMIM 611875.
Timothy syndrome (TS). Also called: LONG QT SYNDROME WITH SYNDACTYLY. Identifiers: Orphanet 65283, MedGen C1832916, MeSH C536962, MONDO:0010979, OMIM 601005.
Long QT syndrome 8. Identifiers: MedGen CN260585, MONDO:0032756, OMIM 618447.

gnomAD v4.1: 3 of 1,604,040 alleles (0.00019%); no homozygotes.

Submissions (2):

Labcorp Genetics (formerly Invitae), Labcorp
Classification: Uncertain significance for Long QT syndrome. Last evaluated: 2022-03-15. Review status: criteria provided, single submitter. Criteria: Invitae Variant Classification Sherloc (09022015). Collection method: clinical testing. Allele origin: germline.
Comment: In summary, the available evidence is currently insufficient to determine the role of this variant in disease. Therefore, it has been classified as a Variant of Uncertain Significance. Variants that disrupt the consensus splice site are a relatively common cause of aberrant splicing (PMID: 17576681, 9536098). Algorithms developed to predict the effect of sequence changes on RNA splicing suggest that this variant is not likely to affect RNA splicing. ClinVar contains an entry for this variant (Variation ID: 843126). This variant has not been reported in the literature in individuals affected with CACNA1C-related conditions. This variant is not present in population databases (gnomAD no frequency). This sequence change falls in intron 45 of the CACNA1C gene. It does not directly change the encoded amino acid sequence of the CACNA1C protein. It affects a nucleotide within the consensus splice site.

Fulgent Genetics
Classification: Uncertain significance for Timothy syndrome; Brugada syndrome 3; Long QT syndrome 8. Last evaluated: 2021-07-08. Review status: criteria provided, single submitter. Criteria: ACMG Guidelines, 2015. Collection method: clinical testing. Allele origin: unknown.

Literature cited by the submitters: PubMed 17576681 (cited by Labcorp Genetics (formerly Invitae), Labcorp); PubMed 9536098 (cited by Labcorp Genetics (formerly Invitae), Labcorp).